The following is an entry in ClinVar:

NM_001365536.1(SCN9A):c.640C>T (p.Arg214Ter)

Gene: SCN9A (sodium voltage-gated channel alpha subunit 9; minus strand). Cytogenetic location: 2q24.3.
Variant type: single nucleotide variant.
Coding change: c.640C>T on transcript NM_001365536.1 (MANE Select); coding-DNA position 640, C replaced by T.
Protein change: p.Arg214Ter; replaces arginine 214 with a stop codon.
Molecular consequence: nonsense.
Genome position (GRCh38, 1-based): chr2:166,304,286, G>A on the plus strand (C>T on the coding strand, the complement: SCN9A is on the minus strand). VCF-style: chr2-166304286-G-A. GRCh37 (hg19) VCF-style: chr2-167160796-G-A.
Other names: c.640C>T, p.Arg214Ter (NM_002977.4); short protein forms R214*.
Identifiers: ClinVar variation 471161 (VCV000471161.8), dbSNP rs377543079, ClinGen allele CA1944742.

ClinVar aggregate classification (germline): Conflicting classifications of pathogenicity. Review status: criteria provided, conflicting classifications (1 of 4 stars). 2 submissions from 2 submitters: Pathogenic (1); Uncertain significance (1). Last evaluated 2026-01-14.

Conditions:
Neuropathy, hereditary sensory and autonomic, type 2A (HSAN2A). Also called: ACROOSTEOLYSIS, NEUROGENIC; ACROOSTEOLYSIS, GIACCAI TYPE; MORVAN DISEASE; NEUROPATHY, CONGENITAL SENSORY; NEUROPATHY, HEREDITARY SENSORY RADICULAR, AUTOSOMAL RECESSIVE; NEUROPATHY, HEREDITARY SENSORY, TYPE IIA. Identifiers: Orphanet 970, MedGen C2752089, MONDO:0024309, OMIM 201300.
Generalized epilepsy with febrile seizures plus, type 7 (GEFSP7). Also called: GEFS+, TYPE 7. Identifiers: Orphanet 36387, MedGen C2751778, MONDO:0013470, OMIM 613863.

Allele frequency attached by ClinVar (database versions not stated): gnomAD 0.00002; gnomAD exomes 0.00002 and 0.00007; TOPMed 0.00006; ExAC 0.00007; ESP Exome Variant Server 0.00008.
gnomAD v4.1: 33 of 1,613,324 alleles (0.002%); highest among the groups gnomAD compares: East Asian, 0.027%; no homozygotes.

Submissions (2):

Labcorp Genetics (formerly Invitae), Labcorp
Classification: Pathogenic for Neuropathy, hereditary sensory and autonomic, type 2A; Generalized epilepsy with febrile seizures plus, type 7. Last evaluated: 2026-01-14. Review status: criteria provided, single submitter. Criteria: Invitae Variant Classification Sherloc (09022015). Collection method: clinical testing. Allele origin: germline.
Comment: This sequence change creates a premature translational stop signal (p.Arg214*) in the SCN9A gene. It is expected to result in an absent or disrupted protein product. Loss-of-function variants in SCN9A are known to be pathogenic (PMID: 17470132, 19304393). This variant is present in population databases (rs377543079, gnomAD 0.08%). This variant has not been reported in the literature in individuals affected with SCN9A-related conditions. ClinVar contains an entry for this variant (Variation ID: 471161). Algorithms developed to predict the effect of sequence changes on RNA splicing suggest that this variant may disrupt the consensus splice site. For these reasons, this variant has been classified as Pathogenic.

GeneDx
Classification: Uncertain significance. Last evaluated: 2024-07-03. Review status: criteria provided, single submitter. Criteria: GeneDx Variant Classification Process June 2021. Collection method: clinical testing. Allele origin: germline. Affected: yes.
Comment: Nonsense variant predicted to result in protein truncation or nonsense mediated decay in a gene for which loss of function is a known mechanism of disease; This variant is associated with the following publications: (PMID: 30833958, 35571021)

Literature cited by the submitters: PubMed 17470132 (cited by Labcorp Genetics (formerly Invitae), Labcorp); PubMed 19304393 (cited by Labcorp Genetics (formerly Invitae), Labcorp).